The following is an entry in ClinVar:

NM_001197104.2(KMT2A):c.7876G>A (p.Ala2626Thr)

Gene: KMT2A (lysine methyltransferase 2A; plus strand). Cytogenetic location: 11q23.3.
Variant type: single nucleotide variant.
Coding change: c.7876G>A on transcript NM_001197104.2 (MANE Select); coding-DNA position 7876, G replaced by A.
Protein change: p.Ala2626Thr; replaces alanine 2626 with threonine.
Molecular consequence: missense variant.
Genome position (GRCh38, 1-based): chr11:118,503,768, G>A. VCF-style: chr11-118503768-G-A. GRCh37 (hg19) VCF-style: chr11-118374483-G-A.
Other names: c.7966G>A, p.Ala2656Thr (NM_001412597.1); c.7867G>A, p.Ala2623Thr (NM_005933.4); short protein forms A2626T, A2656T, A2623T.
Identifiers: ClinVar variation 3634342 (VCV003634342.2).

ClinVar aggregate classification (germline): Uncertain significance (1 of 4 stars; one submission).

Submission:

Labcorp Genetics (formerly Invitae), Labcorp
Classification: Uncertain significance. Last evaluated: 2024-04-06. Review status: criteria provided, single submitter. Criteria: Invitae Variant Classification Sherloc (09022015). Collection method: clinical testing. Allele origin: germline.
Comment: This sequence change replaces alanine, which is neutral and non-polar, with threonine, which is neutral and polar, at codon 2626 of the KMT2A protein (p.Ala2626Thr). This variant is not present in population databases (gnomAD no frequency). This variant has not been reported in the literature in individuals affected with KMT2A-related conditions. Advanced modeling of protein sequence and biophysical properties (such as structural, functional, and spatial information, amino acid conservation, physicochemical variation, residue mobility, and thermodynamic stability) has been performed at Invitae for this missense variant, however the output from this modeling did not meet the statistical confidence thresholds required to predict the impact of this variant on KMT2A protein function. In summary, the available evidence is currently insufficient to determine the role of this variant in disease. Therefore, it has been classified as a Variant of Uncertain Significance.